The following is an entry in ClinVar:

ClinVar aggregate classification (germline): Uncertain significance (1 of 4 stars; one submission).

Allele frequency attached by ClinVar (database versions not stated): gnomAD 0.00001; gnomAD exomes 0.00002; ExAC 0.00004; ESP Exome Variant Server 0.00008.
gnomAD v4.1: 37 of 1,612,730 alleles (0.0023%); highest among the groups gnomAD compares: South Asian, 0.026%; no homozygotes.

Submission:

Labcorp Genetics (formerly Invitae), Labcorp
Classification: Uncertain significance. Last evaluated: 2022-10-17. Review status: criteria provided, single submitter. Criteria: Invitae Variant Classification Sherloc (09022015). Collection method: clinical testing. Allele origin: germline.
Comment: This sequence change replaces glycine, which is neutral and non-polar, with serine, which is neutral and polar, at codon 813 of the OCA2 protein (p.Gly813Ser). This variant is present in population databases (rs377766646, gnomAD 0.02%). This variant has not been reported in the literature in individuals affected with OCA2-related conditions. Advanced modeling of protein sequence and biophysical properties (such as structural, functional, and spatial information, amino acid conservation, physicochemical variation, residue mobility, and thermodynamic stability) has been performed at Invitae for this missense variant, however the output from this modeling did not meet the statistical confidence thresholds required to predict the impact of this variant on OCA2 protein function. In summary, the available evidence is currently insufficient to determine the role of this variant in disease. Therefore, it has been classified as a Variant of Uncertain Significance.

NM_000275.3(OCA2):c.2437G>A (p.Gly813Ser)

Gene: OCA2 (OCA2 melanosomal transmembrane protein; minus strand). Cytogenetic location: 15q12.
Variant type: single nucleotide variant.
Coding change: c.2437G>A on transcript NM_000275.3 (MANE Select); coding-DNA position 2437, G replaced by A.
Protein change: p.Gly813Ser; replaces glycine 813 with serine.
Molecular consequence: missense variant.
Genome position (GRCh38, 1-based): chr15:27,755,468, C>T on the plus strand (G>A on the coding strand, the complement: OCA2 is on the minus strand). VCF-style: chr15-27755468-C-T. GRCh37 (hg19) VCF-style: chr15-28000614-C-T.
Other names: c.2365G>A, p.Gly789Ser (NM_001300984.2); short protein forms G789S, G813S.
Identifiers: ClinVar variation 1912934 (VCV001912934.2), dbSNP rs377766646, ClinGen allele CA7438559.